The following is an entry in ClinVar:

NM_001355436.2(SPTB):c.4177A>T (p.Lys1393Ter)

Gene: SPTB (spectrin beta, erythrocytic; minus strand). Cytogenetic location: 14q23.3.
Variant type: single nucleotide variant.
Coding change: c.4177A>T on transcript NM_001355436.2 (MANE Select); coding-DNA position 4177, A replaced by T.
Protein change: p.Lys1393Ter; replaces lysine 1393 with a stop codon.
Molecular consequence: nonsense.
Genome position (GRCh38, 1-based): chr14:64,782,379, T>A on the plus strand (A>T on the coding strand, the complement: SPTB is on the minus strand). VCF-style: chr14-64782379-T-A. GRCh37 (hg19) VCF-style: chr14-65249097-T-A.
Other names: c.4177A>T, p.Lys1393Ter (NM_001024858.4, NM_001355437.2); short protein forms K1393*.
Identifiers: ClinVar variation 2825938 (VCV002825938.3), dbSNP rs2503102939, ClinGen allele CA390044844.
Genomic context (GRCh38, chr14:64,782,379, plus strand): 5'-TGGTCAGGTCCTTGCCCGGGTCGTCTGACCGCAGCTGGTCCTCCATGGCGCTGATCCACT[T>A]GTTGAGGTCAGCATGGGTCTGCAAGCGCAGGTCGGAGCTCCTGGCAGCCGAGAGGTGCTG-3'

ClinVar aggregate classification (germline): Pathogenic (1 of 4 stars; one submission).

Submission:

Labcorp Genetics (formerly Invitae), Labcorp
Classification: Pathogenic. Last evaluated: 2023-06-10. Review status: criteria provided, single submitter. Criteria: Invitae Variant Classification Sherloc (09022015). Collection method: clinical testing. Allele origin: germline.
Comment: This sequence change creates a premature translational stop signal (p.Lys1393*) in the SPTB gene. It is expected to result in an absent or disrupted protein product. Loss-of-function variants in SPTB are known to be pathogenic (PMID: 1391962, 1498324, 8844207, 26830532, 27292444). This variant is not present in population databases (gnomAD no frequency). This variant has not been reported in the literature in individuals affected with SPTB-related conditions. For these reasons, this variant has been classified as Pathogenic.

Literature cited by the submitters: PubMed 1391962; PubMed 1498324; PubMed 8844207; PubMed 26830532; PubMed 27292444.